The following is an entry in ClinVar:

ClinVar aggregate classification (germline): Pathogenic. Review status: criteria provided, multiple submitters, no conflicts (2 of 4 stars). 3 submissions from 3 submitters: Pathogenic (3). Last evaluated 2019-07-01.

Conditions:
DICER1-related tumor predisposition. Also called: DICER1 syndrome; DICER1-related pleuropulmonary blastoma cancer predisposition syndrome. Identifiers: Orphanet 284343, MedGen C3839822, MONDO:0100216.
Hereditary cancer-predisposing syndrome. Also called: Tumor predisposition; Hereditary Cancer Syndrome; Neoplastic Syndromes, Hereditary; Hereditary neoplastic syndrome. Identifiers: Orphanet 140162, MedGen C0027672, MeSH D009386, MONDO:0015356.

Submissions (3):

Foulkes Cancer Genetics LDI, Lady Davis Institute for Medical Research
Classification: Pathogenic for Pleuropulmonary blastoma. Last evaluated: 2019-07-01. Review status: criteria provided, single submitter. Criteria: ACMG Guidelines, 2015. Collection method: curation. Allele origin: germline. Affected: yes. Observed: 1 variant allele.
Comment: ACMG criteria met: PVS1, PM2, PP4

International Pleuropulmonary Blastoma Registry, Children's Hospitals and Clinics of Minnesota
Classification: Pathogenic for Pleuropulmonary blastoma. Last evaluated: 2014-11-10. Review status: criteria provided, single submitter. Criteria: Hill et al. (Science. 2009). Collection method: clinical testing. Allele origin: germline. Affected: yes. Study: PPB-DICER1 Genetic study.

Ambry Genetics
Classification: Pathogenic for Hereditary cancer-predisposing syndrome. Last evaluated: 2013-08-21. Review status: criteria provided, single submitter. Criteria: Ambry Autosomal Dominant and X-Linked criteria (10/2015). Collection method: clinical testing. Allele origin: germline. Observed: 1 variant allele.
Comment: Ã¢â‚¬â€¹The c.3538_3539delTA pathogenic mutation, located in coding exon 20 of the DICER1 gene, results from a deletion of 2 nucleotides between positions 3538 and 3539, causing a translational frameshift with a predicted alternate stop codon. Since frameshifts are typically deleterious in nature, this alteration is interpreted as a disease-causing mutation (ACMG Recommendations for Standards for Interpretation and Reporting of Sequence Variations. Revision 2007. Genet Med. 2008;10:294).

Literature cited by the submitters: PubMed 26925222 (cited by Foulkes Cancer Genetics LDI, Lady Davis Institute for Medical Research and International Pleuropulmonary Blastoma Registry, Children's Hospitals and Clinics of Minnesota).

NM_177438.3(DICER1):c.3538_3539del (p.Tyr1180fs)

Gene: DICER1 (dicer 1, ribonuclease III; minus strand). Cytogenetic location: 14q32.13.
Variant type: Deletion.
Coding change: c.3538_3539del on transcript NM_177438.3 (MANE Select); coding-DNA positions 3538 to 3539, 2 bases deleted (TA; older notation c.3538_3539delTA).
Protein change: p.Tyr1180fs; shifts the reading frame from tyrosine 1180.
Molecular consequence: frameshift variant.
Genome position (GRCh38, 1-based): chr14:95,103,857-95,103,858, TA deleted on the plus strand (TA on the coding strand, the reverse complement: DICER1 is on the minus strand). VCF-style (leftmost placement, unchanged base first): chr14-95103856-GTA-G. GRCh37 (hg19) VCF-style: chr14-95570193-GTA-G.
Other names: c.3538_3539del, p.Tyr1180fs (NM_030621.4, NM_001195573.1, NM_001271282.3 and 1 more transcripts); c.3538_3539delTA (NM_177438.2); short protein forms Y1180fs.
Identifiers: ClinVar variation 254322 (VCV000254322.6), dbSNP rs886037703, ClinGen allele CA10586428.
Genomic context (GRCh38, chr14:95,103,856, plus strand): 5'-ATTTCCTTGGCAAAAGTCTCTGTTAGCTAAATCATAACTGCCATTGGCGAGATTTTGATT[GTA>G]AGAAAGACCATTAATTGCTGTAAGATCTGCTGAAACTTCAACGTGGAGCTTACCAGGGGA-3'